The following is an entry in ClinVar:

ClinVar aggregate classification (germline): Pathogenic (1 of 4 stars; one submission).

Submission:

Labcorp Genetics (formerly Invitae), Labcorp
Classification: Pathogenic. Last evaluated: 2025-08-25. Review status: criteria provided, single submitter. Criteria: Invitae Variant Classification Sherloc (09022015). Collection method: clinical testing. Allele origin: germline.
Comment: This sequence change creates a premature translational stop signal (p.Val204Glyfs*25) in the YARS2 gene. It is expected to result in an absent or disrupted protein product. Loss-of-function variants in YARS2 are known to be pathogenic (PMID: 20598274, 24344687, 25638461). This variant is not present in population databases (gnomAD no frequency). This variant has not been reported in the literature in individuals affected with YARS2-related conditions. For these reasons, this variant has been classified as Pathogenic.

Literature cited by the submitters: PubMed 20598274; PubMed 24344687; PubMed 25638461.

NM_001040436.3(YARS2):c.610dup (p.Val204fs)

Gene: YARS2 (tyrosyl-tRNA synthetase 2; minus strand). Cytogenetic location: 12p11.21.
Variant type: Duplication.
Coding change: c.610dup on transcript NM_001040436.3 (MANE Select); coding-DNA position 610, one base duplicated (G; older notation c.610dupG).
Protein change: p.Val204fs; shifts the reading frame from valine 204.
Molecular consequence: frameshift variant.
Genome position (GRCh38, 1-based): chr12:32,755,265, C duplicated on the plus strand (G on the coding strand, the reverse complement: YARS2 is on the minus strand). VCF-style (leftmost placement, unchanged base first): chr12-32755264-A-AC. GRCh37 (hg19) VCF-style: chr12-32908198-A-AC.
Other names: short protein forms V204fs.
Identifiers: ClinVar variation 4726038 (VCV004726038.1).